The following is an entry in ClinVar:

ClinVar aggregate classification (germline): Likely benign (1 of 4 stars; one submission).

Conditions:
PAK2-related disorder. Also called: PAK2-related condition.

Submission:

PreventionGenetics, part of Exact Sciences
Classification: Likely benign for PAK2-related condition. Last evaluated: 2024-10-14. Review status: criteria provided, single submitter. Criteria: ACMG Guidelines, 2015. Collection method: clinical testing. Allele origin: germline.
Comment: This variant is classified as likely benign based on ACMG/AMP sequence variant interpretation guidelines (Richards et al. 2015 PMID: 25741868, with internal and published modifications).

NM_002577.4(PAK2):c.327C>A (p.Ser109=)

Gene: PAK2 (p21 (RAC1) activated kinase 2; plus strand). Cytogenetic location: 3q29.
Variant type: single nucleotide variant.
Coding change: c.327C>A on transcript NM_002577.4 (MANE Select); coding-DNA position 327, C replaced by A.
Protein change: p.Ser109=; no amino-acid change (serine 109 retained).
Molecular consequence: synonymous variant.
Genome position (GRCh38, 1-based): chr3:196,803,055, C>A. VCF-style: chr3-196803055-C-A. GRCh37 (hg19) VCF-style: chr3-196529926-C-A.
Identifiers: ClinVar variation 4980671 (VCV004980671.1).
Genomic context (GRCh38, chr3:196,803,055, plus strand): 5'-TTTCTGAATATCTTCTTGTTAGGGCATGCCAGAACAGTGGGCTCGATTACTACAGACCTC[C>A]AATATCACCAAACTAGAGCAAAAGAAGAATCCTCAGGCTGTGCTGGATGTCCTAAAGTTC-3'
Protein context (NP_002568.2, residues 99-119): PEQWARLLQT[Ser109=]NITKLEQKKN